The following is an entry in ClinVar:

ClinVar aggregate classification (germline): Uncertain significance. Review status: criteria provided, multiple submitters, no conflicts (2 of 4 stars). 2 submissions from 2 submitters: Uncertain significance (2). Last evaluated 2024-12-07.

Conditions:
Inborn genetic diseases. Identifiers: MedGen C0950123, MeSH D030342.

Allele frequency attached by ClinVar (database versions not stated): gnomAD exomes below 0.00001.
gnomAD v4.1: 3 of 1,613,934 alleles (0.00019%); highest among the groups gnomAD compares: Non-Finnish European, 0.00025%; no homozygotes.

Submissions (2):

Ambry Genetics
Classification: Uncertain significance for Inborn genetic diseases. Last evaluated: 2024-12-07. Review status: criteria provided, single submitter. Criteria: Ambry Variant Classification Scheme 2023. Collection method: clinical testing. Allele origin: germline.
Comment: The p.L102F variant (also known as c.306G>C), located in coding exon 3 of the USB1 gene, results from a G to C substitution at nucleotide position 306. The leucine at codon 102 is replaced by phenylalanine, an amino acid with highly similar properties. This amino acid position is conserved. In addition, this alteration is predicted to be tolerated by in silico analysis. Based on the available evidence, the clinical significance of this variant remains unclear.

Labcorp Genetics (formerly Invitae), Labcorp
Classification: Uncertain significance. Last evaluated: 2023-05-26. Review status: criteria provided, single submitter. Criteria: Invitae Variant Classification Sherloc (09022015). Collection method: clinical testing. Allele origin: germline.
Comment: This sequence change replaces leucine, which is neutral and non-polar, with phenylalanine, which is neutral and non-polar, at codon 102 of the USB1 protein (p.Leu102Phe). In summary, the available evidence is currently insufficient to determine the role of this variant in disease. Therefore, it has been classified as a Variant of Uncertain Significance. Advanced modeling of protein sequence and biophysical properties (such as structural, functional, and spatial information, amino acid conservation, physicochemical variation, residue mobility, and thermodynamic stability) performed at Invitae indicates that this missense variant is not expected to disrupt USB1 protein function. This variant has not been reported in the literature in individuals affected with USB1-related conditions. This variant is not present in population databases (gnomAD no frequency).

NM_024598.4(USB1):c.306G>C (p.Leu102Phe)

Gene: USB1 (U6 snRNA biogenesis phosphodiesterase 1; plus strand). Cytogenetic location: 16q21.
Variant type: single nucleotide variant.
Coding change: c.306G>C on transcript NM_024598.4 (MANE Select); coding-DNA position 306, G replaced by C.
Protein change: p.Leu102Phe; replaces leucine 102 with phenylalanine.
Molecular consequence: missense variant.
Genome position (GRCh38, 1-based): chr16:58,009,969, G>C. VCF-style: chr16-58009969-G-C. GRCh37 (hg19) VCF-style: chr16-58043873-G-C.
Other names: c.306G>C, p.Leu102Phe (NM_001195302.2, NM_001204911.2, NM_001330569.2); c.153G>C, p.Leu51Phe (NM_001330568.2); short protein forms L102F, L51F.
Identifiers: ClinVar variation 2718955 (VCV002718955.4), dbSNP rs2544726295, ClinGen allele CA396129036.